The following is an entry in ClinVar:

ClinVar aggregate classification (germline): Uncertain significance (1 of 4 stars; one submission).

gnomAD v4.1: 2 of 1,603,820 alleles (0.00012%); highest among the groups gnomAD compares: Admixed American, 0.0033%; no homozygotes.

Submission:

Labcorp Genetics (formerly Invitae), Labcorp
Classification: Uncertain significance. Last evaluated: 2025-07-29. Review status: criteria provided, single submitter. Criteria: Invitae Variant Classification Sherloc (09022015). Collection method: clinical testing. Allele origin: germline.
Comment: This sequence change replaces isoleucine, which is neutral and non-polar, with leucine, which is neutral and non-polar, at codon 80 of the LRRCC1 protein (p.Ile80Leu). This variant is not present in population databases (gnomAD no frequency). This variant has not been reported in the literature in individuals affected with LRRCC1-related conditions. An algorithm developed to predict the effect of missense changes on protein structure and function (PolyPhen-2) suggests that this variant is likely to be tolerated. In summary, the available evidence is currently insufficient to determine the role of this variant in disease. Therefore, it has been classified as a Variant of Uncertain Significance.

NM_033402.5(LRRCC1):c.238A>C (p.Ile80Leu)

Gene: LRRCC1 (leucine rich repeat and coiled-coil centrosomal protein 1; plus strand). Cytogenetic location: 8q21.2.
Variant type: single nucleotide variant.
Coding change: c.238A>C on transcript NM_033402.5 (MANE Select); coding-DNA position 238, A replaced by C.
Protein change: p.Ile80Leu; replaces isoleucine 80 with leucine.
Molecular consequence: missense variant. On other transcripts: 5 prime UTR variant (1), intron variant (3).
Genome position (GRCh38, 1-based): chr8:85,109,728, A>C. VCF-style: chr8-85109728-A-C. GRCh37 (hg19) VCF-style: chr8-86021963-A-C.
Other names: c.-274A>C (NM_001349638.2); c.-158-387A>C (NM_001349637.2); c.32-387A>C (NM_001349636.2); c.-247-387A>C (NM_001349639.2); short protein forms I80L.
Identifiers: ClinVar variation 4781862 (VCV004781862.1).
Genomic context (GRCh38, chr8:85,109,728, plus strand): 5'-GCCATTGATCATATTTGGAATTTACAACATCTAGATCTGTCATCTAATCAAATAAGTAGA[A>C]TTGAAGGACTAAACACACTGACAAAACTGTGCACATTAAATTTGTCCTGCAATTTGATTA-3'
Protein context (NP_208325.3, residues 70-90): LDLSSNQISR[Ile80Leu]EGLNTLTKLC